The following is an entry in ClinVar:

ClinVar aggregate classification (germline): Likely benign. Review status: criteria provided, multiple submitters, no conflicts (2 of 4 stars). 4 submissions from 4 submitters: Likely benign (4). Last evaluated 2024-12-17.

Conditions:
Hereditary cancer-predisposing syndrome. Also called: Hereditary neoplastic syndrome; Tumor predisposition; Hereditary Cancer Syndrome; Neoplastic Syndromes, Hereditary. Identifiers: Orphanet 140162, MedGen C0027672, MeSH D009386, MONDO:0015356.
Hereditary breast ovarian cancer syndrome. Also called: BRCA1- and BRCA2-Associated Hereditary Breast and Ovarian Cancer; Hereditary breast and ovarian cancer syndrome (HBOC); Hereditary breast and/or ovarian cancer syndrome; Hereditary breast and ovarian cancer syndrome; Hereditary breast and ovarian cancer; Breast and ovarian cancer. Identifiers: Orphanet 145, MedGen C0677776, MeSH D061325, MONDO:0003582. Disease mechanism: loss of function.

Allele frequency attached by ClinVar (database versions not stated): gnomAD exomes below 0.00001.
gnomAD v4.1: 3 of 1,500,404 alleles (0.0002%); highest among the groups gnomAD compares: Non-Finnish European, 0.00028%; no homozygotes.

Submissions (4):

Women's Health and Genetics/Laboratory Corporation of America, LabCorp
Classification: Likely benign. Last evaluated: 2024-12-17. Review status: criteria provided, single submitter. Criteria: LabCorp Variant Classification Summary - May 2015. Collection method: clinical testing. Allele origin: germline.
Comment: Variant summary: BRCA2 c.682-15C>T alters a nucleotide located at a position not widely known to affect splicing. Consensus agreement among computation tools predict no significant impact on normal splicing (TrAP). However, these predictions have yet to be confirmed by functional studies. The variant was absent in 241450 control chromosomes. The available data on variant occurrences in the general population are insufficient to allow any conclusion about variant significance. c.682-15C>T has been reported in the literature in individuals affected with prostate cancer without strong evidence for causality (Petrovics_2018). These report(s) do not provide unequivocal conclusions about association of the variant with Hereditary Breast And Ovarian Cancer Syndrome. To our knowledge, no experimental evidence demonstrating an impact on protein function has been reported. ClinVar contains an entry for this variant (Variation ID: 219430). Based on the evidence outlined above, the variant was classified as likely benign.

Labcorp Genetics (formerly Invitae), Labcorp
Classification: Likely benign for Hereditary breast ovarian cancer syndrome. Last evaluated: 2024-05-18. Review status: criteria provided, single submitter. Criteria: Invitae Variant Classification Sherloc (09022015). Collection method: clinical testing. Allele origin: germline.

Color Diagnostics, LLC DBA Color Health
Classification: Likely benign for Hereditary cancer-predisposing syndrome. Last evaluated: 2018-02-07. Review status: criteria provided, single submitter. Criteria: ACMG Guidelines, 2015. Collection method: clinical testing. Allele origin: germline.

GeneDx
Classification: Likely benign. Last evaluated: 2017-07-14. Review status: criteria provided, single submitter. Criteria: GeneDx Variant Classification (06012015). Collection method: clinical testing. Allele origin: germline. Affected: yes.
Comment: This variant is considered likely benign or benign based on one or more of the following criteria: it is a conservative change, it occurs at a poorly conserved position in the protein, it is predicted to be benign by multiple in silico algorithms, and/or has population frequency not consistent with disease.

Literature cited by the submitters: PubMed 30542053 (cited by Women's Health and Genetics/Laboratory Corporation of America, LabCorp).

NM_000059.4(BRCA2):c.682-15C>T

Gene: BRCA2 (BRCA2 DNA repair associated; plus strand). Cytogenetic location: 13q13.1.
Variant type: single nucleotide variant.
Coding change: c.682-15C>T on transcript NM_000059.4 (MANE Select); 15 bases into the intron before coding-DNA position 682, C replaced by T.
Molecular consequence: intron variant.
Genome position (GRCh38, 1-based): chr13:32,330,904, C>T. VCF-style: chr13-32330904-C-T. GRCh37 (hg19) VCF-style: chr13-32905041-C-T.
Identifiers: ClinVar variation 219430 (VCV000219430.15), dbSNP rs864622084, ClinGen allele CA348321.